The following is an entry in ClinVar:

ClinVar aggregate classification (germline): Uncertain significance (1 of 4 stars; one submission).

Conditions:
Hepatic veno-occlusive disease-immunodeficiency syndrome. Also called: Hepatic Veno-Occlusive Disease with Immunodeficiency. Identifiers: Orphanet 79124, MedGen C1856128, MONDO:0009338, OMIM 235550. Disease mechanism: loss of function.

Submission:

Labcorp Genetics (formerly Invitae), Labcorp
Classification: Uncertain significance for Hepatic veno-occlusive disease-immunodeficiency syndrome. Last evaluated: 2022-06-04. Review status: criteria provided, single submitter. Criteria: Invitae Variant Classification Sherloc (09022015). Collection method: clinical testing. Allele origin: germline.
Comment: This sequence change replaces serine, which is neutral and polar, with asparagine, which is neutral and polar, at codon 157 of the SP110 protein (p.Ser157Asn). This variant is not present in population databases (gnomAD no frequency). This variant has not been reported in the literature in individuals affected with SP110-related conditions. Algorithms developed to predict the effect of missense changes on protein structure and function output the following: SIFT: "Tolerated"; PolyPhen-2: "Benign"; Align-GVGD: "Class C0". The asparagine amino acid residue is found in multiple mammalian species, which suggests that this missense change does not adversely affect protein function. In summary, the available evidence is currently insufficient to determine the role of this variant in disease. Therefore, it has been classified as a Variant of Uncertain Significance.

NM_080424.4(SP110):c.470G>A (p.Ser157Asn)

Genes: SP110 (SP110 nuclear body protein; minus strand), SP140 (SP140 nuclear body protein; plus strand). Cytogenetic location: 2q37.1.
Variant type: single nucleotide variant.
Coding change: c.470G>A on transcript NM_080424.4 (MANE Select); coding-DNA position 470, G replaced by A.
Protein change: p.Ser157Asn; replaces serine 157 with asparagine.
Molecular consequence: missense variant.
Genome position (GRCh38, 1-based): chr2:230,212,874, C>T on the plus strand (G>A on the coding strand, the complement: SP110 is on the minus strand). VCF-style: chr2-230212874-C-T. GRCh37 (hg19) VCF-style: chr2-231077589-C-T.
Other names: c.488G>A, p.Ser163Asn (NM_001185015.2, NM_001378442.1, NM_001378444.1 and 2 more transcripts); c.470G>A, p.Ser157Asn (NM_001378443.1, NM_001378447.1, NM_004509.5 and 1 more transcripts); short protein forms S157N, S163N.
Identifiers: ClinVar variation 2056313 (VCV002056313.1), dbSNP rs2470027567, ClinGen allele CA350916584.
Genomic context (GRCh38, chr2:230,212,874, plus strand): 5'-GATGGGCTGGGCGACTCACTCAGGATCTCATCGCTTTGCTGGGAGGATGTTCCAGGCTCA[C>T]TGACTCTTGGCGCACAGGGTGAACAGCTTGGTTGAGGGGGTTGTGGTGGGGGCAGCGCCA-3'
Protein context (NP_536349.3, residues 147-167): PSCSPCAPRV[Ser157Asn]EPGTSSQQSD